The following is an entry in ClinVar:

NM_005359.6(SMAD4):c.473T>A (p.Val158Glu)

Gene: SMAD4 (SMAD family member 4; plus strand). Cytogenetic location: 18q21.2.
Variant type: single nucleotide variant.
Coding change: c.473T>A on transcript NM_005359.6 (MANE Select); coding-DNA position 473, T replaced by A.
Protein change: p.Val158Glu; replaces valine 158 with glutamic acid.
Molecular consequence: missense variant.
Genome position (GRCh38, 1-based): chr18:51,054,799, T>A. VCF-style: chr18-51054799-T-A. GRCh37 (hg19) VCF-style: chr18-48581169-T-A.
Other names: c.473T>A (NM_005359.5); short protein forms V158E.
Identifiers: ClinVar variation 1003593 (VCV001003593.10), dbSNP rs1909795284, ClinGen allele CA402460616.

ClinVar aggregate classification (germline): Uncertain significance. Review status: criteria provided, multiple submitters, no conflicts (2 of 4 stars). 2 submissions from 2 submitters: Uncertain significance (2). Last evaluated 2026-07-07.

Conditions:
Hereditary cancer-predisposing syndrome. Also called: Tumor predisposition; Hereditary Cancer Syndrome; Hereditary neoplastic syndrome; Neoplastic Syndromes, Hereditary. Identifiers: Orphanet 140162, MedGen C0027672, MeSH D009386, MONDO:0015356.
Familial thoracic aortic aneurysm and aortic dissection (TAAD). Also called: Thoracic aortic aneurysms and dissections. Identifiers: Orphanet 91387, MedGen C4707243, MONDO:0019625.
Juvenile polyposis syndrome (JPS). Identifiers: Orphanet 2929, MedGen C0345893, MONDO:0017380, OMIM 174900.

Submissions (2):

Ambry Genetics
Classification: Uncertain significance for Hereditary cancer-predisposing syndrome; Familial thoracic aortic aneurysm and aortic dissection. Last evaluated: 2026-07-07. Review status: criteria provided, single submitter. Criteria: Ambry Variant Classification Scheme 2023. Collection method: clinical testing. Allele origin: germline.
Comment: The p.V158E variant (also known as c.473T>A), located in coding exon 4 of the SMAD4 gene, results from a T to A substitution at nucleotide position 473. The valine at codon 158 is replaced by glutamic acid, an amino acid with dissimilar properties. This amino acid position is conserved. In addition, this alteration is predicted to be deleterious by in silico analysis. Based on the available evidence, the clinical significance of this variant remains unclear.

Labcorp Genetics (formerly Invitae), Labcorp
Classification: Uncertain significance for Juvenile polyposis syndrome. Last evaluated: 2021-07-08. Review status: criteria provided, single submitter. Criteria: Invitae Variant Classification Sherloc (09022015). Collection method: clinical testing. Allele origin: germline.
Comment: This sequence change replaces valine with glutamic acid at codon 158 of the SMAD4 protein (p.Val158Glu). The valine residue is highly conserved and there is a moderate physicochemical difference between valine and glutamic acid. This variant is not present in population databases (ExAC no frequency). This variant has not been reported in the literature in individuals with SMAD4-related conditions. Algorithms developed to predict the effect of missense changes on protein structure and function are either unavailable or do not agree on the potential impact of this missense change (SIFT: "Tolerated"; PolyPhen-2: "Possibly Damaging"; Align-GVGD: "Class C15"). In summary, the available evidence is currently insufficient to determine the role of this variant in disease. Therefore, it has been classified as a Variant of Uncertain Significance.